The following is an entry in ClinVar:

NM_000263.4(NAGLU):c.1874_1883del (p.Ala625fs)

Gene: NAGLU (N-acetyl-alpha-glucosaminidase; plus strand). Cytogenetic location: 17q21.2.
Variant type: Deletion.
Coding change: c.1874_1883del on transcript NM_000263.4 (MANE Select); coding-DNA positions 1874 to 1883, 10 bases deleted (CCCGAGCAGC; older notation c.1874_1883delCCCGAGCAGC).
Protein change: p.Ala625fs; shifts the reading frame from alanine 625.
Molecular consequence: frameshift variant.
Genome position (GRCh38, 1-based): chr17:42,543,880-42,543,889, CCCGAGCAGC deleted. VCF-style (leftmost placement, unchanged base first): chr17-42543879-GCCCGAGCAGC-G. GRCh37 (hg19) VCF-style: chr17-40695897-GCCCGAGCAGC-G.
Other names: short protein forms A625fs.
Identifiers: ClinVar variation 3755942 (VCV003755942.2).

ClinVar aggregate classification (germline): Pathogenic (1 of 4 stars; one submission).

Conditions:
Charcot-Marie-Tooth disease axonal type 2V. Also called: CHARCOT-MARIE-TOOTH NEUROPATHY, TYPE 2V; CHARCOT-MARIE-TOOTH DISEASE, AXONAL, AUTOSOMAL DOMINANT, TYPE 2V. Identifiers: Orphanet 447964, MedGen C5569050, MONDO:0014665, OMIM 616491.
Mucopolysaccharidosis, MPS-III-B (MPS3B). Also called: N-ACETYL-ALPHA-D-GLUCOSAMINIDASE DEFICIENCY; NAGLU DEFICIENCY; SANFILIPPO SYNDROME B; MPS III B; Mucopolysaccharidosis type IIIB (Sanfilippo B); MUCOPOLYSACCHARIDOSIS, TYPE IIIB. Identifiers: Orphanet 79270, MedGen C0086648, MONDO:0009656, OMIM 252920.

Submission:

Labcorp Genetics (formerly Invitae), Labcorp
Classification: Pathogenic for Charcot-Marie-Tooth disease axonal type 2V; Mucopolysaccharidosis, MPS-III-B. Last evaluated: 2024-06-05. Review status: criteria provided, single submitter. Criteria: Invitae Variant Classification Sherloc (09022015). Collection method: clinical testing. Allele origin: germline.
Comment: This sequence change creates a premature translational stop signal (p.Ala625Glyfs*19) in the NAGLU gene. While this is not anticipated to result in nonsense mediated decay, it is expected to disrupt the last 119 amino acid(s) of the NAGLU protein. This variant is not present in population databases (gnomAD no frequency). This variant has not been reported in the literature in individuals affected with NAGLU-related conditions. This variant disrupts a region of the NAGLU protein in which other variant(s) (p.Glu705Lys) have been determined to be pathogenic (PMID: 9832037; Invitae). This suggests that this is a clinically significant region of the protein, and that variants that disrupt it are likely to be disease-causing. For these reasons, this variant has been classified as Pathogenic.

Literature cited by the submitters: PubMed 9832037.